The following is an entry in ClinVar:

NM_001042492.3(NF1):c.6572C>T (p.Ser2191Phe)

Gene: NF1 (neurofibromin 1; plus strand). Cytogenetic location: 17q11.2.
Variant type: single nucleotide variant.
Coding change: c.6572C>T on transcript NM_001042492.3 (MANE Select); coding-DNA position 6572, C replaced by T.
Protein change: p.Ser2191Phe; replaces serine 2191 with phenylalanine.
Molecular consequence: missense variant.
Genome position (GRCh38, 1-based): chr17:31,337,512, C>T. VCF-style: chr17-31337512-C-T. GRCh37 (hg19) VCF-style: chr17-29664530-C-T.
Other names: c.6509C>T, p.Ser2170Phe (NM_000267.4); short protein forms S2191F, S2170F.
Identifiers: ClinVar variation 576084 (VCV000576084.6), dbSNP rs765598479, ClinGen allele CA399013305.

ClinVar aggregate classification (germline): Conflicting classifications of pathogenicity. Review status: criteria provided, conflicting classifications (1 of 4 stars). 2 submissions from 2 submitters: Uncertain significance (1); Likely benign (1). Last evaluated 2025-05-05.

Conditions:
Cardiovascular phenotype. Identifiers: MedGen CN230736.
Hereditary cancer-predisposing syndrome. Also called: Hereditary neoplastic syndrome; Tumor predisposition; Hereditary Cancer Syndrome; Neoplastic Syndromes, Hereditary. Identifiers: Orphanet 140162, MedGen C0027672, MeSH D009386, MONDO:0015356.
Neurofibromatosis, type 1 (NF1). Also called: Peripheral type neurofibromatosis; Neurofibromatosis, type I; VON RECKLINGHAUSEN DISEASE; NEUROFIBROMATOSIS, TYPE I, SOMATIC. Identifiers: Orphanet 636, MedGen C0027831, MONDO:0018975, OMIM 162200. Disease mechanism: loss of function.

Allele frequency attached by ClinVar (database versions not stated): TOPMed below 0.00001.

Submissions (2):

Labcorp Genetics (formerly Invitae), Labcorp
Classification: Likely benign for Neurofibromatosis, type 1. Last evaluated: 2025-05-05. Review status: criteria provided, single submitter. Criteria: Invitae Variant Classification Sherloc (09022015). Collection method: clinical testing. Allele origin: germline.

Ambry Genetics
Classification: Uncertain significance for Cardiovascular phenotype; Hereditary cancer-predisposing syndrome. Last evaluated: 2023-06-03. Review status: criteria provided, single submitter. Criteria: Ambry Variant Classification Scheme 2023. Collection method: clinical testing. Allele origin: germline.
Comment: The p.S2170F variant (also known as c.6509C>T), located in coding exon 42 of the NF1 gene, results from a C to T substitution at nucleotide position 6509. The serine at codon 2170 is replaced by phenylalanine, an amino acid with highly dissimilar properties. This amino acid position is conserved. In addition, the in silico prediction for this alteration is inconclusive. Since supporting evidence is limited at this time, the clinical significance of this alteration remains unclear.